The following is an entry in ClinVar:

NM_004484.4(GPC3):c.861A>G (p.Ala287=)

Gene: GPC3 (glypican 3; minus strand). Cytogenetic location: Xq26.2.
Variant type: single nucleotide variant.
Coding change: c.861A>G on transcript NM_004484.4 (MANE Select); coding-DNA position 861, A replaced by G.
Protein change: p.Ala287=; no amino-acid change (alanine 287 retained).
Molecular consequence: synonymous variant.
Genome position (GRCh38, 1-based): chrX:133,753,653, T>C on the plus strand (A>G on the coding strand, the complement: GPC3 is on the minus strand). VCF-style: chrX-133753653-T-C. GRCh37 (hg19) VCF-style: chrX-132887680-T-C.
Other names: c.861A>G, p.Ala287= (NM_001164617.2); c.813A>G, p.Ala271= (NM_001164618.2); c.699A>G, p.Ala233= (NM_001164619.2).
Identifiers: ClinVar variation 4085804 (VCV004085804.8).

ClinVar aggregate classification (germline): Likely benign (1 of 4 stars; one submission).

Submission:

CeGaT Center for Human Genetics Tuebingen
Classification: Likely benign. Last evaluated: 2025-08-01. Review status: criteria provided, single submitter. Criteria: CeGaT Center For Human Genetics Tuebingen Variant Classification Criteria Version 2. Collection method: clinical testing. Allele origin: germline. Affected: yes. Observed: 1 variant allele.
Comment: GPC3: PM2:Supporting, BP4, BP7